The following is an entry in ClinVar:

ClinVar aggregate classification (germline): Likely benign. Review status: criteria provided, multiple submitters, no conflicts (2 of 4 stars). 3 submissions from 3 submitters: Likely benign (3). Last evaluated 2026-04-01.

Conditions:
Inborn genetic diseases. Identifiers: MedGen C0950123, MeSH D030342.
Developmental and epileptic encephalopathy, 8 (DEE8). Also called: HYPEREKPLEXIA AND EPILEPSY. Identifiers: Orphanet 163985, Orphanet 2076, MedGen C1845102, MONDO:0010375, OMIM 300607.

Allele frequency attached by ClinVar (database versions not stated): gnomAD exomes below 0.00001; TOPMed 0.00001; gnomAD 0.00002.
gnomAD v4.1: 5 of 1,208,505 alleles (0.00041%); highest among the groups gnomAD compares: African/African-American, 0.0088%; no homozygotes.

Submissions (3):

CeGaT Center for Human Genetics Tuebingen
Classification: Likely benign. Last evaluated: 2026-04-01. Review status: criteria provided, single submitter. Criteria: CeGaT Center For Human Genetics Tuebingen Variant Classification Criteria Version 2. Collection method: clinical testing. Allele origin: germline. Affected: yes. Observed: 1 variant allele.
Comment: ARHGEF9: BP4, BP7

Labcorp Genetics (formerly Invitae), Labcorp
Classification: Likely benign for Developmental and epileptic encephalopathy, 8. Last evaluated: 2024-05-06. Review status: criteria provided, single submitter. Criteria: Invitae Variant Classification Sherloc (09022015). Collection method: clinical testing. Allele origin: germline.

Ambry Genetics
Classification: Likely benign for Inborn genetic diseases. Last evaluated: 2016-12-28. Review status: criteria provided, single submitter. Criteria: Ambry Variant Classification Scheme 2023. Collection method: clinical testing. Allele origin: germline.

NM_001353921.2(ARHGEF9):c.1011G>A (p.Gln337=)

Gene: ARHGEF9 (Cdc42 guanine nucleotide exchange factor 9; minus strand). Cytogenetic location: Xq11.1.
Variant type: single nucleotide variant.
Coding change: c.1011G>A on transcript NM_001353921.2 (MANE Select); coding-DNA position 1011, G replaced by A.
Protein change: p.Gln337=; no amino-acid change (glutamine 337 retained).
Molecular consequence: synonymous variant. On other transcripts: intron variant (5).
Genome position (GRCh38, 1-based): chrX:63,665,952, C>T on the plus strand (G>A on the coding strand, the complement: ARHGEF9 is on the minus strand). VCF-style: chrX-63665952-C-T. GRCh37 (hg19) VCF-style: chrX-62885832-C-T.
Other names: c.831G>A, p.Gln277= (NM_001173479.2); c.684G>A, p.Gln228= (NM_001173480.2, NM_001369042.1); c.927G>A, p.Gln309= (NM_001330495.2, NM_001369033.1, NM_001369034.1 and 6 more transcripts); c.1029G>A, p.Gln343= (NM_001353923.1); c.810G>A, p.Gln270= (NM_001353924.2, NM_001353926.2, NM_001369039.1 and 1 more transcripts); c.990G>A, p.Gln330= (NM_001369030.1, NM_001369031.1, NM_001369032.1 and 1 more transcripts); c.945+8086G>A (NM_001353922.2); c.861+8086G>A (NM_001369041.1, NM_001353927.2); and 2 more.
Identifiers: ClinVar variation 589994 (VCV000589994.16), dbSNP rs1330960420, ClinGen allele CA516873263.